The following is an entry in ClinVar:

ClinVar aggregate classification (germline): Uncertain significance (1 of 4 stars; one submission).

Conditions:
Multiple sulfatase deficiency (MSD). Also called: Mucosulfatidosis; Multiple Sulfatase Deficiency Disease; Sulfatidosis, Juvenile, Austin Type. Identifiers: Orphanet 585, MedGen C0268263, MONDO:0010088, OMIM 272200.

Allele frequency attached by ClinVar (database versions not stated): gnomAD 0.00001; ExAC 0.00005.
gnomAD v4.1: 4 of 1,561,766 alleles (0.00026%); highest among the groups gnomAD compares: Admixed American, 0.0019%; no homozygotes.

Submission:

Labcorp Genetics (formerly Invitae), Labcorp
Classification: Uncertain significance for Multiple sulfatase deficiency. Last evaluated: 2021-06-28. Review status: criteria provided, single submitter. Criteria: Invitae Variant Classification Sherloc (09022015). Collection method: clinical testing. Allele origin: germline.
Comment: Algorithms developed to predict the effect of missense changes on protein structure and function output the following: SIFT: "Tolerated"; PolyPhen-2: "Benign"; Align-GVGD: "Class C0". The valine amino acid residue is found in multiple mammalian species, suggesting that this missense change does not adversely affect protein function. These predictions have not been confirmed by published functional studies and their clinical significance is uncertain. This sequence change replaces alanine with valine at codon 41 of the SUMF1 protein (p.Ala41Val). The alanine residue is weakly conserved and there is a small physicochemical difference between alanine and valine. This variant is present in population databases (rs748192389, ExAC 0.01%). This variant has not been reported in the literature in individuals with SUMF1-related conditions. In summary, the available evidence is currently insufficient to determine the role of this variant in disease. Therefore, it has been classified as a Variant of Uncertain Significance.

NM_182760.4(SUMF1):c.122C>T (p.Ala41Val)

Genes: SUMF1 (sulfatase modifying factor 1; minus strand), LOC129936056 (ATAC-STARR-seq lymphoblastoid silent region 14016; plus strand). Cytogenetic location: 3p26.1.
Variant type: single nucleotide variant.
Coding change: c.122C>T on transcript NM_182760.4 (MANE Select); coding-DNA position 122, C replaced by T.
Protein change: p.Ala41Val; replaces alanine 41 with valine.
Molecular consequence: missense variant.
Genome position (GRCh38, 1-based): chr3:4,467,124, G>A on the plus strand (C>T on the coding strand, the complement: SUMF1 is on the minus strand). VCF-style: chr3-4467124-G-A. GRCh37 (hg19) VCF-style: chr3-4508808-G-A.
Other names: c.122C>T, p.Ala41Val (NM_001164674.2, NM_001164675.2); short protein forms A41V.
Identifiers: ClinVar variation 1426755 (VCV001426755.8), dbSNP rs748192389, ClinGen allele CA2230713.